The following is an entry in ClinVar:

NM_001195248.2(APTX):c.318C>T (p.Asn106=)

Gene: APTX (aprataxin; minus strand). Cytogenetic location: 9p21.1.
Variant type: single nucleotide variant.
Coding change: c.318C>T on transcript NM_001195248.2 (MANE Select); coding-DNA position 318, C replaced by T.
Protein change: p.Asn106=; no amino-acid change (asparagine 106 retained).
Molecular consequence: synonymous variant. On other transcripts: non-coding transcript variant (13), intron variant (1).
Genome position (GRCh38, 1-based): chr9:32,987,709, G>A on the plus strand (C>T on the coding strand, the complement: APTX is on the minus strand). VCF-style: chr9-32987709-G-A. GRCh37 (hg19) VCF-style: chr9-32987707-G-A.
Other names: p.N106N:AAC>AAT; c.318C>T, p.Asn106= (NM_001195249.2, NM_001195251.2, NM_001368995.1 and 6 more transcripts); c.156C>T, p.Asn52= (NM_001195250.2, NM_001195254.2, NM_001369000.1 and 1 more transcripts); c.54C>T, p.Asn18= (NM_001369002.1, NM_001369003.1, NM_001369004.1 and 5 more transcripts); c.267+51C>T (NM_001195252.2).
Identifiers: ClinVar variation 136413 (VCV000136413.24), dbSNP rs79254654, ClinGen allele CA289502.

ClinVar aggregate classification (germline): Benign. Review status: criteria provided, multiple submitters, no conflicts (2 of 4 stars). 8 submissions from 8 submitters: Benign (5). 3 of the submissions do not count toward it. Last evaluated 2026-01-15.

Conditions:
Ataxia, early-onset, with oculomotor apraxia and hypoalbuminemia (EAOH). Also called: ATAXIA-OCULOMOTOR APRAXIA SYNDROME; ATAXIA-TELANGIECTASIA-LIKE SYNDROME; Ataxia-oculomotor apraxia type 1. Identifiers: Orphanet 1168, MedGen C1859598, MONDO:0008842, OMIM 208920.

Allele frequency attached by ClinVar (database versions not stated): gnomAD exomes 0.00071 and 0.00204; ExAC 0.00255; gnomAD 0.00842 and 0.00777; 1000 Genomes Project 0.00699; 1000 Genomes Project 30x 0.00718; ESP Exome Variant Server 0.01015; TOPMed 0.00922.
gnomAD v4.1: 2,269 of 1,614,130 alleles (0.14%); highest among the groups gnomAD compares: African/African-American, 2.7%; 25 homozygotes.

Submissions (8):

Labcorp Genetics (formerly Invitae), Labcorp
Classification: Benign. Last evaluated: 2026-01-15. Review status: criteria provided, single submitter. Criteria: Invitae Variant Classification Sherloc (09022015). Collection method: clinical testing. Allele origin: germline.

Illumina Laboratory Services, Illumina
Classification: Benign for Ataxia, early-onset, with oculomotor apraxia and hypoalbuminemia. Last evaluated: 2018-01-13. Review status: criteria provided, single submitter. Criteria: ICSL Variant Classification Criteria 13 December 2019. Collection method: clinical testing. Allele origin: germline.
Comment: This variant was observed in the ICSL laboratory as part of a predisposition screen in an ostensibly healthy population. It had not been previously curated by ICSL or reported in the Human Gene Mutation Database (HGMD: prior to June 1st, 2018), and was therefore a candidate for classification through an automated scoring system. Utilizing variant allele frequency, disease prevalence and penetrance estimates, and inheritance mode, an automated score was calculated to assess if this variant is too frequent to cause the disease. Based on the score and internal cut-off values, a variant classified as benign is not then subjected to further curation. The score for this variant resulted in a classification of benign for this disease.

Athena Diagnostics
Classification: Benign. Last evaluated: 2017-10-11. Review status: criteria provided, single submitter. Criteria: Athena Diagnostics Criteria. Collection method: clinical testing. Allele origin: germline.

GeneDx
Classification: Benign. Last evaluated: 2014-04-22. Review status: criteria provided, single submitter. Criteria: GeneDx Variant Classification (06012015). Collection method: clinical testing. Allele origin: germline. Affected: yes.
Comment: This variant is considered likely benign or benign based on one or more of the following criteria: it is a conservative change, it occurs at a poorly conserved position in the protein, it is predicted to be benign by multiple in silico algorithms, and/or has population frequency not consistent with disease.

Breakthrough Genomics
Classification: Benign. Review status: criteria provided, single submitter. Criteria: ACMG Guidelines, 2015. Collection method: not provided. Allele origin: germline. Inheritance: Autosomal recessive inheritance. Affected: yes.

Mayo Clinic Laboratories, Mayo Clinic
Classification: Benign. Last evaluated: 2017-08-22. Review status: no assertion criteria provided. Collection method: clinical testing. Allele origin: unknown. Not counted in ClinVar's aggregate classification.

Clinical Genetics DNA and cytogenetics Diagnostics Lab, Erasmus MC, Erasmus Medical Center
Classification: Likely benign. Review status: no assertion criteria provided. Collection method: clinical testing. Allele origin: germline. Affected: yes. Study: VKGL Data-share Consensus. Not counted in ClinVar's aggregate classification.

Clinical Genetics, Academic Medical Center
Classification: Benign. Review status: no assertion criteria provided. Collection method: clinical testing. Allele origin: germline. Affected: yes. Study: VKGL Data-share Consensus. Not counted in ClinVar's aggregate classification.